The following is an entry in ClinVar:

NC_000010.10:g.(?_735414)_(735518_?)dup

Gene: DIP2C (disco interacting protein 2 homolog C; minus strand). Cytogenetic location: 10p15.3.
Variant type: Duplication.
Identifiers: ClinVar variation 3244991 (VCV003244991.1).

ClinVar aggregate classification (germline): Uncertain significance (1 of 4 stars; one submission).

Submission:

Labcorp Genetics (formerly Invitae), Labcorp
Classification: Uncertain significance. Last evaluated: 2022-12-29. Review status: criteria provided, single submitter. Criteria: Invitae Variant Classification Sherloc (09022015). Collection method: clinical testing. Allele origin: unknown.
Comment: In summary, the available evidence is currently insufficient to determine the role of this variant in disease. Therefore, it has been classified as a Variant of Uncertain Significance. This variant has not been reported in the literature in individuals affected with DIP2C-related conditions. This variant results in a copy number gain of the genomic region encompassing exon(s) 1 of the DIP2C gene. This region includes the initiator codon of the gene. This copy number gain extends beyond the assayed region for this gene and therefore may encompass additional genes. As the precise location of this event is unknown, it may be in tandem or it may be located elsewhere in the genome.